The following is an entry in ClinVar:

NM_012258.4(HEY1):c.811T>C (p.Phe271Leu)

Gene: HEY1 (hes related family bHLH transcription factor with YRPW motif 1; minus strand). Cytogenetic location: 8q21.13.
Variant type: single nucleotide variant.
Coding change: c.811T>C on transcript NM_012258.4 (MANE Select); coding-DNA position 811, T replaced by C.
Protein change: p.Phe271Leu; replaces phenylalanine 271 with leucine.
Molecular consequence: missense variant.
Genome position (GRCh38, 1-based): chr8:79,765,292, A>G on the plus strand (T>C on the coding strand, the complement: HEY1 is on the minus strand). VCF-style: chr8-79765292-A-G. GRCh37 (hg19) VCF-style: chr8-80677527-A-G.
Other names: c.823T>C, p.Phe275Leu (NM_001040708.2); c.541T>C, p.Phe181Leu (NM_001282851.2); short protein forms F181L, F271L, F275L.
Identifiers: ClinVar variation 3033148 (VCV003033148.2), dbSNP rs61753715, ClinGen allele CA4789607.

ClinVar aggregate classification (germline): Benign (0 of 4 stars; one submission).

Conditions:
HEY1-related disorder. Also called: HEY1-related condition.

Allele frequency attached by ClinVar (database versions not stated): 1000 Genomes Project 0.00200; 1000 Genomes Project 30x 0.00219; TOPMed 0.00494; ExAC 0.00495; ESP Exome Variant Server 0.00511; gnomAD 0.00532; gnomAD exomes 0.00856.
gnomAD v4.1: 12,849 of 1,557,002 alleles (0.83%); highest among the groups gnomAD compares: Non-Finnish European, 0.97%; 79 homozygotes.

Submission:

PreventionGenetics, part of Exact Sciences
Classification: Benign for HEY1-related condition. Last evaluated: 2019-04-08. Review status: no assertion criteria provided. Collection method: clinical testing. Allele origin: germline.
Comment: This variant is classified as benign based on ACMG/AMP sequence variant interpretation guidelines (Richards et al. 2015 PMID: 25741868, with internal and published modifications).